The following is an entry in ClinVar:

NM_000138.5(FBN1):c.3713-10_3713delinsAAAC

Gene: FBN1 (fibrillin 1; minus strand). Cytogenetic location: 15q21.1.
Variant type: Indel.
Coding change: c.3713-10_3713delinsAAAC on transcript NM_000138.5 (MANE Select); 10 bases into the intron before coding-DNA position 3713 through coding-DNA position 3713, TTCTTTGCAGA replaced by AAAC.
Molecular consequence: splice acceptor variant.
Genome position (GRCh38, 1-based): chr15:48,483,943-48,483,953, TCTGCAAAGAA replaced by GTTT on the plus strand (TTCTTTGCAGA replaced by AAAC on the coding strand, the reverse complement: FBN1 is on the minus strand). VCF-style: chr15-48483943-TCTGCAAAGAA-GTTT. GRCh37 (hg19) VCF-style: chr15-48776140-TCTGCAAAGAA-GTTT.
Other names: c.3713-10_3713delinsAAAC (NM_001406716.1).
Identifiers: ClinVar variation 3251278 (VCV003251278.1), dbSNP rs2505541312.

ClinVar aggregate classification (germline): Likely pathogenic (1 of 4 stars; one submission).

Conditions:
Marfan Syndrome/Loeys-Dietz Syndrome/Familial Thoracic Aortic Aneurysms and Dissections. Identifiers: MedGen CN229799.

Submission:

Women's Health and Genetics/Laboratory Corporation of America, LabCorp
Classification: Likely pathogenic for Marfan Syndrome/Loeys-Dietz Syndrome/Familial Thoracic Aortic Aneurysms and Dissections. Last evaluated: 2024-04-15. Review status: criteria provided, single submitter. Criteria: LabCorp Variant Classification Summary - May 2015. Collection method: clinical testing. Allele origin: germline.
Comment: Variant summary: FBN1 c.3713-10_3713delinsAAAC is located in a canonical splice-site and is predicted to affect mRNA splicing resulting in a significantly altered protein due to either exon skipping, shortening, or inclusion of intronic material. Several computational tools predict a significant impact on normal splicing: Four predict the variant abolishes a 3' acceptor site. However, these predictions have yet to be confirmed by functional studies. The variant was absent in 31394 control chromosomes. To our knowledge, no occurrence of c.3713-10_3713delinsAAAC in individuals affected with Marfan Syndrome and no experimental evidence demonstrating its impact on protein function have been reported. No submitters have cited clinical-significance assessments for this variant to ClinVar. Based on the evidence outlined above, the variant was classified as likely pathogenic.